The following is an entry in ClinVar:

NM_024642.5(GALNT12):c.1473G>A (p.Thr491=)

Gene: GALNT12 (polypeptide N-acetylgalactosaminyltransferase 12; plus strand). Cytogenetic location: 9q22.33.
Variant type: single nucleotide variant.
Coding change: c.1473G>A on transcript NM_024642.5 (MANE Select); coding-DNA position 1473, G replaced by A.
Protein change: p.Thr491=; no amino-acid change (threonine 491 retained).
Molecular consequence: synonymous variant.
Genome position (GRCh38, 1-based): chr9:98,845,991, G>A. VCF-style: chr9-98845991-G-A. GRCh37 (hg19) VCF-style: chr9-101608273-G-A.
Identifiers: ClinVar variation 1082820 (VCV001082820.10), dbSNP rs373044668, ClinGen allele CA5154298.
Genomic context (GRCh38, chr9:98,845,991, plus strand): 5'-CATCAGTGGAAAATGTTGTGTTACATGTTGGCTGCCCCATTTTTAGTTTTTCGAGTACAC[G>A]TCCCAGAAAGAAATACGCTATAACACCCACCAGCCTGAGGGCTGCATTGCTGTGGAAGCA-3'
Protein context (NP_078918.3, residues 481-501): GMGQNQFFEY[Thr491=]SQKEIRYNTH

ClinVar aggregate classification (germline): Benign/Likely benign. Review status: criteria provided, multiple submitters, no conflicts (2 of 4 stars). 3 submissions from 3 submitters: Benign (1); Likely benign (2). Last evaluated 2026-04-27.

Conditions:
Colorectal cancer, susceptibility to, 1. Also called: COLORECTAL ADENOMA AND CANCER, SUSCEPTIBILITY TO; COLORECTAL CANCER, SUSCEPTIBILITY TO, ON CHROMOSOME 9. Identifiers: MedGen C1837315, MONDO:0012132, OMIM 608812.

Allele frequency attached by ClinVar (database versions not stated): ExAC 0.00001; ESP Exome Variant Server 0.00008; gnomAD exomes 0.00001.
gnomAD v4.1: 9 of 1,614,080 alleles (0.00056%); highest among the groups gnomAD compares: East Asian, 0.0022%; no homozygotes.

Submissions (3):

Myriad Genetics, Inc.
Classification: Benign for Colorectal cancer, susceptibility to, 1. Last evaluated: 2026-04-27. Review status: criteria provided, single submitter. Criteria: Myriad Autosomal Dominant, Autosomal Recessive and X-Linked Classification Criteria (2023). Collection method: clinical testing. Allele origin: unknown.
Comment: This variant is considered benign. This variant is a silent/synonymous amino acid change and it is not expected to impact splicing.

Labcorp Genetics (formerly Invitae), Labcorp
Classification: Likely benign. Last evaluated: 2024-02-17. Review status: criteria provided, single submitter. Criteria: Invitae Variant Classification Sherloc (09022015). Collection method: clinical testing. Allele origin: germline.

Ambry Genetics
Classification: Likely benign. Last evaluated: 2021-06-28. Review status: criteria provided, single submitter. Criteria: Ambry Variant Classification Scheme 2023. Collection method: clinical testing. Allele origin: germline.